The following is an entry in ClinVar:

ClinVar aggregate classification (germline): Uncertain significance (1 of 4 stars; one submission).

Submission:

Labcorp Genetics (formerly Invitae), Labcorp
Classification: Uncertain significance. Last evaluated: 2023-07-17. Review status: criteria provided, single submitter. Criteria: Invitae Variant Classification Sherloc (09022015). Collection method: clinical testing. Allele origin: unknown.
Comment: This variant is a gross deletion of the genomic region encompassing exon(s) 43 of the PRPF8 gene, which includes the termination codon. This deletion extends beyond the assayed region for this gene and therefore may encompass additional genes. While this deletion is not anticipated to lead to nonsense mediated decay, it is expected to alter mRNA translation or result in a truncated protein product. A similar copy number variant has been observed in individual(s) with clinical features of inherited retinal dystrophy (Invitae). Experimental studies and prediction algorithms are not available or were not evaluated, and the functional significance of this variant is currently unknown. In summary, the available evidence is currently insufficient to determine the role of this variant in disease. Therefore, it has been classified as a Variant of Uncertain Significance.

NC_000017.10:g.(?_1552664)_(1554255_?)del

Genes: PRPF8 (pre-mRNA processing factor 8; minus strand), RILP (Rab interacting lysosomal protein; minus strand). Cytogenetic location: 17p13.3.
Variant type: Deletion.
Identifiers: ClinVar variation 3243178 (VCV003243178.1).